The following is an entry in ClinVar:

ClinVar aggregate classification (germline): Uncertain significance (1 of 4 stars; one submission).

Allele frequency attached by ClinVar (database versions not stated): gnomAD exomes below 0.00001.
gnomAD v4.1: 7 of 1,614,196 alleles (0.00043%); highest among the groups gnomAD compares: Non-Finnish European, 0.00059%; no homozygotes.

Submission:

Labcorp Genetics (formerly Invitae), Labcorp
Classification: Uncertain significance. Last evaluated: 2022-06-27. Review status: criteria provided, single submitter. Criteria: Invitae Variant Classification Sherloc (09022015). Collection method: clinical testing. Allele origin: germline.
Comment: This sequence change replaces tyrosine, which is neutral and polar, with histidine, which is basic and polar, at codon 454 of the LARS2 protein (p.Tyr454His). This variant is not present in population databases (gnomAD no frequency). This variant has not been reported in the literature in individuals affected with LARS2-related conditions. Algorithms developed to predict the effect of missense changes on protein structure and function are either unavailable or do not agree on the potential impact of this missense change (SIFT: "Tolerated"; PolyPhen-2: "Probably Damaging"; Align-GVGD: "Class C0"). In summary, the available evidence is currently insufficient to determine the role of this variant in disease. Therefore, it has been classified as a Variant of Uncertain Significance.

NM_015340.4(LARS2):c.1360T>C (p.Tyr454His)

Genes: LARS2 (leucyl-tRNA synthetase 2, mitochondrial; plus strand), LARS2-AS1 (LARS2 antisense RNA 1; minus strand). Cytogenetic location: 3p21.31.
Variant type: single nucleotide variant.
Coding change: c.1360T>C on transcript NM_015340.4 (MANE Select); coding-DNA position 1360, T replaced by C.
Protein change: p.Tyr454His; replaces tyrosine 454 with histidine.
Molecular consequence: missense variant.
Genome position (GRCh38, 1-based): chr3:45,491,637, T>C. VCF-style: chr3-45491637-T-C. GRCh37 (hg19) VCF-style: chr3-45533129-T-C.
Other names: c.1360T>C, p.Tyr454His (NM_001368263.1); short protein forms Y454H.
Identifiers: ClinVar variation 1988923 (VCV001988923.4), dbSNP rs1575289432, ClinGen allele CA352425842.